The following is an entry in ClinVar:

ClinVar aggregate classification (germline): Uncertain significance (1 of 4 stars; one submission).

Allele frequency attached by ClinVar (database versions not stated): gnomAD exomes below 0.00001 and 0.00001; TOPMed below 0.00001; gnomAD 0.00001.
gnomAD v4.1: 7 of 1,586,976 alleles (0.00044%); highest among the groups gnomAD compares: African/African-American, 0.0013%; no homozygotes.

Submission:

Labcorp Genetics (formerly Invitae), Labcorp
Classification: Uncertain significance. Last evaluated: 2022-08-15. Review status: criteria provided, single submitter. Criteria: Invitae Variant Classification Sherloc (09022015). Collection method: clinical testing. Allele origin: germline.
Comment: This sequence change replaces glycine with alanine at codon 23 of the BMP2 protein (p.Gly23Ala). The glycine residue is highly conserved and there is a small physicochemical difference between glycine and alanine. The frequency data for this variant in the population databases is considered unreliable, as metrics indicate poor data quality at this position in the gnomAD database. In summary, the available evidence is currently insufficient to determine the role of this variant in disease. Therefore, it has been classified as a Variant of Uncertain Significance. This variant has not been reported in the literature in individuals affected with BMP2-related conditions. ClinVar contains an entry for this variant (Variation ID: 1506168). Algorithms developed to predict the effect of missense changes on protein structure and function are either unavailable or do not agree on the potential impact of this missense change (SIFT: "Not Available"; PolyPhen-2: "Benign"; Align-GVGD: "Not Available").

NM_001200.4(BMP2):c.68G>C (p.Gly23Ala)

Gene: BMP2 (bone morphogenetic protein 2; plus strand). Cytogenetic location: 20p12.3.
Variant type: single nucleotide variant.
Coding change: c.68G>C on transcript NM_001200.4 (MANE Select); coding-DNA position 68, G replaced by C.
Protein change: p.Gly23Ala; replaces glycine 23 with alanine.
Molecular consequence: missense variant.
Genome position (GRCh38, 1-based): chr20:6,770,194, G>C. VCF-style: chr20-6770194-G-C. GRCh37 (hg19) VCF-style: chr20-6750841-G-C.
Other names: short protein forms G23A.
Identifiers: ClinVar variation 1506168 (VCV001506168.6), dbSNP rs1422558559, ClinGen allele CA408260175.